The following is an entry in ClinVar:

NM_000440.3(PDE6A):c.1926+1G>A

Gene: PDE6A (phosphodiesterase 6A; minus strand). Cytogenetic location: 5q32.
Variant type: single nucleotide variant.
Coding change: c.1926+1G>A on transcript NM_000440.3 (MANE Select); the canonical splice donor site of the intron after coding-DNA position 1926, G replaced by A.
Molecular consequence: splice donor variant.
Genome position (GRCh38, 1-based): chr5:149,884,779, C>T on the plus strand (G>A on the coding strand, the complement: PDE6A is on the minus strand). VCF-style: chr5-149884779-C-T. GRCh37 (hg19) VCF-style: chr5-149264342-C-T.
Other names: c.1683+1G>A (NM_001410788.1).
Identifiers: ClinVar variation 194473 (VCV000194473.52), dbSNP rs794727139, ClinGen allele CA275023.
Genomic context (GRCh38, chr5:149,884,779, plus strand): 5'-TTGTGAAATAGAGCCTCTGATCCAGGCCCCGCGGCCTGTAGACCCTTGGCCCTCATCCTA[C>T]CTCGTCTCTGAGCAGTGTTTTGCCAAACTCCAAGTGGTGTCTTTCCAAGATAGAGGACCC-3'

ClinVar aggregate classification (germline): Pathogenic. Review status: criteria provided, multiple submitters, no conflicts (2 of 4 stars). 6 submissions from 6 submitters: Pathogenic (6). Last evaluated 2022-09-27.

Conditions:
Retinal dystrophy. Also called: Inherited retinal dystrophy. Identifiers: Orphanet 71862, MedGen C0854723, MeSH D058499, MONDO:0019118, HP:0000556.
Retinitis pigmentosa (RP). Identifiers: Orphanet 791, MedGen C0035334, MeSH D012174, MONDO:0019200, OMIM 268000. Inheritance: Autosomal dominant, autosomal recessive and X linked inheritance.
Retinitis pigmentosa 43 (RP43). Identifiers: Orphanet 791, MedGen C3151139, MONDO:0013437, OMIM 613810.

Allele frequency attached by ClinVar (database versions not stated): gnomAD exomes below 0.00001 and 0.00001; TOPMed below 0.00001.
gnomAD v4.1: 3 of 1,613,824 alleles (0.00019%); highest among the groups gnomAD compares: Non-Finnish European, 0.00025%; no homozygotes.

Submissions (6):

Labcorp Genetics (formerly Invitae), Labcorp
Classification: Pathogenic. Last evaluated: 2022-09-27. Review status: criteria provided, single submitter. Criteria: Invitae Variant Classification Sherloc (09022015). Collection method: clinical testing. Allele origin: germline.
Comment: Disruption of this splice site has been observed in individuals with retinitis pigmentosa (PMID: 33057649). For these reasons, this variant has been classified as Pathogenic. Algorithms developed to predict the effect of sequence changes on RNA splicing suggest that this variant may disrupt the consensus splice site. ClinVar contains an entry for this variant (Variation ID: 194473). This variant is present in population databases (rs794727139, gnomAD 0.0009%). This sequence change affects a donor splice site in intron 15 of the PDE6A gene. It is expected to disrupt RNA splicing. Variants that disrupt the donor or acceptor splice site typically lead to a loss of protein function (PMID: 16199547), and loss-of-function variants in PDE6A are known to be pathogenic (PMID: 7493036, 22128245, 23847139).

Ocular Genomics Institute, Massachusetts Eye and Ear
Classification: Pathogenic for Retinitis pigmentosa 43. Last evaluated: 2021-04-08. Review status: criteria provided, single submitter. Criteria: ACMG Guidelines, 2015. Collection method: research. Allele origin: germline. Affected: yes.
Comment: Through a review of available evidence we were able to apply the following criteria: PVS1, PM2, PM1. Based on this evidence we have classified this variant as Pathogenic.

Molecular Genetics Laboratory, Institute for Ophthalmic Research
Classification: Pathogenic for Retinitis pigmentosa. Last evaluated: 2020-01-09. Review status: criteria provided, single submitter. Criteria: ACMG Guidelines, 2015. Collection method: research. Allele origin: germline. Affected: yes.

CeGaT Center for Human Genetics Tuebingen
Classification: Pathogenic. Last evaluated: 2016-10-01. Review status: criteria provided, single submitter. Criteria: CeGaT Center For Human Genetics Tuebingen Variant Classification Criteria Version 2. Collection method: clinical testing. Allele origin: germline. Affected: yes. Observed: 1 variant allele.

Eurofins Ntd Llc (ga)
Classification: Pathogenic. Last evaluated: 2015-02-02. Review status: criteria provided, single submitter. Criteria: EGL Classification Definitions 2015. Collection method: clinical testing. Allele origin: germline. Observed: 1 variant allele, 1 heterozygote.

Institute of Human Genetics, Univ. Regensburg, Univ. Regensburg
Classification: Pathogenic for Retinal dystrophy. Last evaluated: 2012-01-01. Review status: criteria provided, single submitter. Criteria: ACMG Guidelines, 2015. Collection method: clinical testing. Allele origin: germline. Affected: yes.

Literature cited by the submitters: PubMed 33057649 (cited by Labcorp Genetics (formerly Invitae), Labcorp and Institute of Human Genetics, Univ. Regensburg, Univ. Regensburg); PubMed 16199547 (cited by Labcorp Genetics (formerly Invitae), Labcorp); PubMed 7493036 (cited by Labcorp Genetics (formerly Invitae), Labcorp); PubMed 22128245 (cited by Labcorp Genetics (formerly Invitae), Labcorp); PubMed 23847139 (cited by Labcorp Genetics (formerly Invitae), Labcorp); PubMed 31964843 (cited by Institute of Human Genetics, Univ. Regensburg, Univ. Regensburg); PubMed 32531858 (cited by Institute of Human Genetics, Univ. Regensburg, Univ. Regensburg).